The following is an entry in ClinVar:

NM_001161403.3(LIMS2):c.533G>T (p.Arg178Leu)

Gene: LIMS2 (LIM zinc finger domain containing 2; minus strand). Cytogenetic location: 2q14.3.
Variant type: single nucleotide variant.
Coding change: c.533G>T on transcript NM_001161403.3 (MANE Select); coding-DNA position 533, G replaced by T.
Protein change: p.Arg178Leu; replaces arginine 178 with leucine.
Molecular consequence: missense variant.
Genome position (GRCh38, 1-based): chr2:127,642,176, C>A on the plus strand (G>T on the coding strand, the complement: LIMS2 is on the minus strand). VCF-style: chr2-127642176-C-A. GRCh37 (hg19) VCF-style: chr2-128399751-C-A.
Other names: c.599G>T, p.Arg200Leu (NM_001136037.4); c.518G>T, p.Arg173Leu (NM_001161404.2); c.77G>T, p.Arg26Leu (NM_001256542.2); c.605G>T, p.Arg202Leu (NM_017980.5); short protein forms R200L, R26L, R173L, R178L, R202L.
Identifiers: ClinVar variation 3631649 (VCV003631649.2).

ClinVar aggregate classification (germline): Uncertain significance (1 of 4 stars; one submission).

Conditions:
Autosomal recessive limb-girdle muscular dystrophy type 2W (MDRCMTT). Also called: Muscular dystrophy, limb-girdle, type 2W; Muscular dystrophy, autosomal recessive, with cardiomyopathy and triangular tongue. Identifiers: MedGen C4225192, MONDO:0014788, OMIM 616827.

Submission:

Labcorp Genetics (formerly Invitae), Labcorp
Classification: Uncertain significance for Autosomal recessive limb-girdle muscular dystrophy type 2W. Last evaluated: 2024-02-02. Review status: criteria provided, single submitter. Criteria: Invitae Variant Classification Sherloc (09022015). Collection method: clinical testing. Allele origin: germline.
Comment: This sequence change replaces arginine, which is basic and polar, with leucine, which is neutral and non-polar, at codon 200 of the LIMS2 protein (p.Arg200Leu). This variant is not present in population databases (gnomAD no frequency). This variant has not been reported in the literature in individuals affected with LIMS2-related conditions. Advanced modeling of protein sequence and biophysical properties (such as structural, functional, and spatial information, amino acid conservation, physicochemical variation, residue mobility, and thermodynamic stability) performed at Invitae indicates that this missense variant is expected to disrupt LIMS2 protein function with a positive predictive value of 80%. In summary, the available evidence is currently insufficient to determine the role of this variant in disease. Therefore, it has been classified as a Variant of Uncertain Significance.